The following is an entry in ClinVar:

NM_178354.3(LCE1F):c.243A>G (p.Arg81=)

Gene: LCE1F (late cornified envelope 1F; plus strand). Cytogenetic location: 1q21.3.
Variant type: single nucleotide variant.
Coding change: c.243A>G on transcript NM_178354.3 (MANE Select); coding-DNA position 243, A replaced by G.
Protein change: p.Arg81=; no amino-acid change (arginine 81 retained).
Molecular consequence: synonymous variant.
Genome position (GRCh38, 1-based): chr1:152,776,614, A>G. VCF-style: chr1-152776614-A-G. GRCh37 (hg19) VCF-style: chr1-152749090-A-G.
Identifiers: ClinVar variation 2639339 (VCV002639339.24), dbSNP rs759590183, ClinGen allele CA1111696.
Genomic context (GRCh38, chr1:152,776,614, plus strand): 5'-CTCTGGGGGTGGTGGCTGCTGCAGCTCTGGGGGAGGCGGCTGTTGCCTGAGCCACCACAG[A>G]CGGCGTAGGTCCCACCGCCACAGACCCCAGAGCTCTGACTGCTGCAGCCAGCCCTCAGCG-3'
Protein context (NP_848131.1, residues 71-91): GGGGCCLSHH[Arg81=]RRRSHRHRPQ

ClinVar aggregate classification (germline): Likely benign (1 of 4 stars; one submission).

Allele frequency attached by ClinVar (database versions not stated): gnomAD 0.00001; gnomAD exomes 0.00001; ExAC 0.00005.
gnomAD v4.1: 20 of 1,612,334 alleles (0.0012%); highest among the groups gnomAD compares: South Asian, 0.022%; no homozygotes.

Submission:

CeGaT Center for Human Genetics Tuebingen
Classification: Likely benign. Last evaluated: 2023-08-01. Review status: criteria provided, single submitter. Criteria: CeGaT Center For Human Genetics Tuebingen Variant Classification Criteria Version 2. Collection method: clinical testing. Allele origin: germline. Affected: yes. Observed: 1 variant allele.
Comment: LCE1F: BP4, BP7